The following is an entry in ClinVar:

NM_000458.4(HNF1B):c.317A>G (p.Gln106Arg)

Gene: HNF1B (HNF1 homeobox B; minus strand). Cytogenetic location: 17q12.
Variant type: single nucleotide variant.
Coding change: c.317A>G on transcript NM_000458.4 (MANE Select); coding-DNA position 317, A replaced by G.
Protein change: p.Gln106Arg; replaces glutamine 106 with arginine.
Molecular consequence: missense variant.
Genome position (GRCh38, 1-based): chr17:37,744,568, T>C on the plus strand (A>G on the coding strand, the complement: HNF1B is on the minus strand). VCF-style: chr17-37744568-T-C. GRCh37 (hg19) VCF-style: chr17-36104559-T-C.
Other names: c.317A>G, p.Gln106Arg (NM_001165923.4, NM_001304286.2, NM_001411100.1); short protein forms Q106R.
Identifiers: ClinVar variation 3573473 (VCV003573473.1).
Genomic context (GRCh38, chr17:37,744,568, plus strand): 5'-GGGTGGGTCCCCTCCACCTCGCTCTGCGCCTACCTGAGCATCCGGTCCACCTCCGCCCGC[T>C]GCTCCGCCGCCTCCTCGGTGTTGAGCGCCTGCAGCTCCTTGAGGATGGGAGGTGTGTCAT-3'
Protein context (NP_000449.1, residues 96-116): QALNTEEAAE[Gln106Arg]RAEVDRMLSE

ClinVar aggregate classification (germline): Uncertain significance (1 of 4 stars; one submission).

Submission:

GeneDx
Classification: Uncertain significance. Last evaluated: 2024-07-20. Review status: criteria provided, single submitter. Criteria: GeneDx Variant Classification Process June 2021. Collection method: clinical testing. Allele origin: germline. Affected: yes.
Comment: Not observed at significant frequency in large population cohorts (gnomAD); In silico analysis supports that this missense variant has a deleterious effect on protein structure/function; Has not been previously published as pathogenic or benign to our knowledge; This variant is associated with the following publications: (PMID: 17924661)